The following is an entry in ClinVar:

NM_017802.4(DNAAF5):c.216C>T (p.Pro72=)

Genes: DNAAF5 (dynein axonemal assembly factor 5; plus strand), PRKAR1B (protein kinase cAMP-dependent type I regulatory subunit beta; minus strand), LOC129997730 (ATAC-STARR-seq lymphoblastoid silent region 17816; plus strand). Cytogenetic location: 7p22.3.
Variant type: single nucleotide variant.
Coding change: c.216C>T on transcript NM_017802.4 (MANE Select); coding-DNA position 216, C replaced by T.
Protein change: p.Pro72=; no amino-acid change (proline 72 retained).
Molecular consequence: synonymous variant. On other transcripts: non-coding transcript variant (1), intron variant (3).
Genome position (GRCh38, 1-based): chr7:726,936, C>T. VCF-style: chr7-726936-C-T. GRCh37 (hg19) VCF-style: chr7-766573-C-T.
Other names: c.-23+719G>A (NM_001164759.1); c.-23+654G>A (NM_001164758.2); c.-23+274G>A (NM_001164760.2).
Identifiers: ClinVar variation 1787055 (VCV001787055.7), dbSNP rs989746256, ClinGen allele CA152333391.
Genomic context (GRCh38, chr7:726,936, plus strand): 5'-CCTGCGGCGCGCGCTGGAGGAGCCAGGCCCTGCCGCCGACCCCACCGCTTTCCAGGGCCC[C>T]TGGGCGCGCCTACTGCTGCCGCGCTTGCTGCGCTGCCTGAGCGACCCCGCCGAGGGCTGC-3'
Protein context (NP_060272.3, residues 62-82): PAADPTAFQG[Pro72=]WARLLLPRLL

ClinVar aggregate classification (germline): Likely benign. Review status: criteria provided, multiple submitters, no conflicts (2 of 4 stars). 4 submissions from 4 submitters: Likely benign (4). Last evaluated 2025-08-28.

Conditions:
DNAAF5-related disorder. Also called: DNAAF5-related condition.
Primary ciliary dyskinesia. Also called: Ciliary dyskinesia. Identifiers: Orphanet 244, MedGen C0008780, MONDO:0016575, HP:0012265.

Allele frequency attached by ClinVar (database versions not stated): gnomAD exomes below 0.00001; TOPMed 0.00005; gnomAD 0.00007.
gnomAD v4.1: 15 of 1,341,068 alleles (0.0011%); highest among the groups gnomAD compares: African/African-American, 0.015%; no homozygotes.

Submissions (4):

PreventionGenetics, part of Exact Sciences
Classification: Likely benign for DNAAF5-related condition. Last evaluated: 2025-08-28. Review status: criteria provided, single submitter. Criteria: ACMG Guidelines, 2015. Collection method: clinical testing. Allele origin: germline.
Comment: This variant is classified as likely benign based on ACMG/AMP sequence variant interpretation guidelines (Richards et al. 2015 PMID: 25741868, with internal and published modifications).

Labcorp Genetics (formerly Invitae), Labcorp
Classification: Likely benign for Primary ciliary dyskinesia. Last evaluated: 2025-05-27. Review status: criteria provided, single submitter. Criteria: Invitae Variant Classification Sherloc (09022015). Collection method: clinical testing. Allele origin: germline.

Blueprint Genetics
Classification: Likely benign. Last evaluated: 2023-06-20. Review status: criteria provided, single submitter. Criteria: ACMG Guidelines, 2015. Collection method: clinical testing. Allele origin: germline.

Ambry Genetics
Classification: Likely benign for Primary ciliary dyskinesia. Last evaluated: 2017-12-13. Review status: criteria provided, single submitter. Criteria: Ambry Variant Classification Scheme 2023. Collection method: clinical testing. Allele origin: germline.